The following is an entry in ClinVar:

ClinVar aggregate classification (germline): Uncertain significance (1 of 4 stars; one submission).

Conditions:
Bardet-Biedl syndrome (BBS). Identifiers: Orphanet 110, MedGen C0752166, MONDO:0015229.

Submission:

Labcorp Genetics (formerly Invitae), Labcorp
Classification: Uncertain significance for Bardet-Biedl syndrome. Last evaluated: 2022-08-16. Review status: criteria provided, single submitter. Criteria: Invitae Variant Classification Sherloc (09022015). Collection method: clinical testing. Allele origin: germline.
Comment: This sequence change replaces glutamic acid, which is acidic and polar, with aspartic acid, which is acidic and polar, at codon 184 of the BBS2 protein (p.Glu184Asp). This variant is not present in population databases (gnomAD no frequency). This variant has not been reported in the literature in individuals affected with BBS2-related conditions. ClinVar contains an entry for this variant (Variation ID: 1392736). Algorithms developed to predict the effect of missense changes on protein structure and function (SIFT, PolyPhen-2, Align-GVGD) all suggest that this variant is likely to be tolerated. In summary, the available evidence is currently insufficient to determine the role of this variant in disease. Therefore, it has been classified as a Variant of Uncertain Significance.

NM_031885.5(BBS2):c.552G>C (p.Glu184Asp)

Gene: BBS2 (Bardet-Biedl syndrome 2; minus strand). Cytogenetic location: 16q13.
Variant type: single nucleotide variant.
Coding change: c.552G>C on transcript NM_031885.5 (MANE Select); coding-DNA position 552, G replaced by C.
Protein change: p.Glu184Asp; replaces glutamic acid 184 with aspartic acid.
Molecular consequence: missense variant. On other transcripts: non-coding transcript variant (5).
Genome position (GRCh38, 1-based): chr16:56,510,017, C>G on the plus strand (G>C on the coding strand, the complement: BBS2 is on the minus strand). VCF-style: chr16-56510017-C-G. GRCh37 (hg19) VCF-style: chr16-56543929-C-G.
Other names: c.552G>C, p.Glu184Asp (NM_001377456.1); short protein forms E184D.
Identifiers: ClinVar variation 1392736 (VCV001392736.6), dbSNP rs1423768973, ClinGen allele CA395984096.